The following is an entry in ClinVar:

ClinVar aggregate classification (germline): Uncertain significance (1 of 4 stars; one submission).

Conditions:
Hypertrophic cardiomyopathy. Also called: HYPERTROPHIC MYOCARDIOPATHY. Identifiers: Orphanet 217569, MedGen C0007194, MeSH D002312, MONDO:0005045, HP:0001639.

gnomAD v4.1: 2 of 1,614,038 alleles (0.00012%); highest among the groups gnomAD compares: East Asian, 0.0045%; no homozygotes.

Submission:

Labcorp Genetics (formerly Invitae), Labcorp
Classification: Uncertain significance for Hypertrophic cardiomyopathy. Last evaluated: 2024-09-02. Review status: criteria provided, single submitter. Criteria: Invitae Variant Classification Sherloc (09022015). Collection method: clinical testing. Allele origin: germline.
Comment: This sequence change replaces alanine, which is neutral and non-polar, with proline, which is neutral and non-polar, at codon 517 of the MYBPC3 protein (p.Ala517Pro). This variant is not present in population databases (gnomAD no frequency). This variant has not been reported in the literature in individuals affected with MYBPC3-related conditions. An algorithm developed to predict the effect of missense changes on protein structure and function (PolyPhen-2) suggests that this variant is likely to be tolerated. In summary, the available evidence is currently insufficient to determine the role of this variant in disease. Therefore, it has been classified as a Variant of Uncertain Significance.

NM_000256.3(MYBPC3):c.1549G>C (p.Ala517Pro)

Gene: MYBPC3 (myosin binding protein C3; minus strand). Cytogenetic location: 11p11.2.
Variant type: single nucleotide variant.
Coding change: c.1549G>C on transcript NM_000256.3 (MANE Select); coding-DNA position 1549, G replaced by C.
Protein change: p.Ala517Pro; replaces alanine 517 with proline.
Molecular consequence: missense variant.
Genome position (GRCh38, 1-based): chr11:47,342,653, C>G on the plus strand (G>C on the coding strand, the complement: MYBPC3 is on the minus strand). VCF-style: chr11-47342653-C-G. GRCh37 (hg19) VCF-style: chr11-47364204-C-G.
Other names: short protein forms A517P.
Identifiers: ClinVar variation 3703467 (VCV003703467.2).